The following is an entry in ClinVar:

NM_004836.7(EIF2AK3):c.1022C>T (p.Ser341Phe)

Gene: EIF2AK3 (eukaryotic translation initiation factor 2 alpha kinase 3; minus strand). Cytogenetic location: 2p11.2.
Variant type: single nucleotide variant.
Coding change: c.1022C>T on transcript NM_004836.7 (MANE Select); coding-DNA position 1022, C replaced by T.
Protein change: p.Ser341Phe; replaces serine 341 with phenylalanine.
Molecular consequence: missense variant.
Genome position (GRCh38, 1-based): chr2:88,590,586, G>A on the plus strand (C>T on the coding strand, the complement: EIF2AK3 is on the minus strand). VCF-style: chr2-88590586-G-A. GRCh37 (hg19) VCF-style: chr2-88890104-G-A.
Other names: c.1022C>T (NM_004836.5); c.569C>T, p.Ser190Phe (NM_001313915.2); short protein forms S190F, S341F.
Identifiers: ClinVar variation 1925881 (VCV001925881.6), dbSNP rs755930425, ClinGen allele CA1754781.

ClinVar aggregate classification (germline): Uncertain significance. Review status: criteria provided, multiple submitters, no conflicts (2 of 4 stars). 2 submissions from 2 submitters: Uncertain significance (2). Last evaluated 2024-08-06.

Conditions:
Inborn genetic diseases. Identifiers: MedGen C0950123, MeSH D030342.

Allele frequency attached by ClinVar (database versions not stated): ExAC 0.00001; gnomAD 0.00001; gnomAD exomes 0.00001; TOPMed 0.00002.
gnomAD v4.1: 17 of 1,612,848 alleles (0.0011%); highest among the groups gnomAD compares: African/African-American, 0.0013%; no homozygotes.

Submissions (2):

Labcorp Genetics (formerly Invitae), Labcorp
Classification: Uncertain significance. Last evaluated: 2024-08-06. Review status: criteria provided, single submitter. Criteria: Invitae Variant Classification Sherloc (09022015). Collection method: clinical testing. Allele origin: germline.
Comment: This sequence change replaces serine, which is neutral and polar, with phenylalanine, which is neutral and non-polar, at codon 341 of the EIF2AK3 protein (p.Ser341Phe). This variant is present in population databases (rs755930425, gnomAD 0.004%). This variant has not been reported in the literature in individuals affected with EIF2AK3-related conditions. ClinVar contains an entry for this variant (Variation ID: 1925881). An algorithm developed to predict the effect of missense changes on protein structure and function (PolyPhen-2) suggests that this variant is likely to be disruptive. In summary, the available evidence is currently insufficient to determine the role of this variant in disease. Therefore, it has been classified as a Variant of Uncertain Significance.

Ambry Genetics
Classification: Uncertain significance for Inborn genetic diseases. Last evaluated: 2023-03-24. Review status: criteria provided, single submitter. Criteria: Ambry Variant Classification Scheme 2023. Collection method: clinical testing. Allele origin: germline.